The following is an entry in ClinVar:

ClinVar aggregate classification (germline): Benign/Likely benign. Review status: criteria provided, multiple submitters, no conflicts (2 of 4 stars). 2 submissions from 2 submitters: Benign (1); Likely benign (1). Last evaluated 2019-05-28.

Conditions:
Ataxia-telangiectasia syndrome (AT). Also called: Ataxia-telangiectasia, complementation group D; AT, COMPLEMENTATION GROUP C; ATAXIA-TELANGIECTASIA, COMPLEMENTATION GROUP A; ATAXIA-TELANGIECTASIA, FRESNO VARIANT; Ataxia-telangiectasia; LOUIS-BAR SYNDROME. Identifiers: Orphanet 100, MedGen C0004135, MONDO:0008840, OMIM 208900.

Submissions (2):

Mendelics
Classification: Benign for Ataxia-telangiectasia syndrome. Last evaluated: 2019-05-28. Review status: criteria provided, single submitter. Criteria: Mendelics Assertion Criteria 2017. Collection method: clinical testing. Allele origin: unknown.

GeneDx
Classification: Likely benign. Last evaluated: 2018-06-18. Review status: criteria provided, single submitter. Criteria: GeneDx Variant Classification (06012015). Collection method: clinical testing. Allele origin: germline. Affected: yes.
Comment: This variant is considered likely benign or benign based on one or more of the following criteria: it is a conservative change, it occurs at a poorly conserved position in the protein, it is predicted to be benign by multiple in silico algorithms, and/or has population frequency not consistent with disease.

NM_000051.4(ATM):c.6573-41del

Genes: ATM (ATM serine/threonine kinase; plus strand), C11orf65 (chromosome 11 open reading frame 65; minus strand). Cytogenetic location: 11q22.3.
Variant type: Deletion.
Coding change: c.6573-41del on transcript NM_000051.4 (MANE Select); 41 bases into the intron before coding-DNA position 6573, one base deleted (C; older notation c.6573-41delC).
Molecular consequence: intron variant.
Genome position (GRCh38, 1-based): chr11:108,325,269, C deleted. VCF-style (leftmost placement, unchanged base first): chr11-108325268-TC-T. GRCh37 (hg19) VCF-style: chr11-108195995-TC-T.
Other names: c.6573-41delC (NM_000051.3); c.6573-41del (NM_001351834.2); c.641-16198del (NM_001330368.2); c.*38+9951del (NM_001351110.2).
Identifiers: ClinVar variation 671528 (VCV000671528.4), dbSNP rs1271045298, ClinGen allele CA476744989.